The following is an entry in ClinVar:

NM_001127649.3(PEX26):c.862C>T (p.Arg288Cys)

Gene: PEX26 (peroxisomal biogenesis factor 26; plus strand). Cytogenetic location: 22q11.21.
Variant type: single nucleotide variant.
Coding change: c.862C>T on transcript NM_001127649.3 (MANE Select); coding-DNA position 862, C replaced by T.
Protein change: p.Arg288Cys; replaces arginine 288 with cysteine.
Molecular consequence: missense variant.
Genome position (GRCh38, 1-based): chr22:18,088,019, C>T. VCF-style: chr22-18088019-C-T. GRCh37 (hg19) VCF-style: chr22-18570785-C-T.
Other names: c.715C>T, p.Arg239Cys (NM_001199319.2); c.862C>T, p.Arg288Cys (NM_017929.6); short protein forms R288C, R239C.
Identifiers: ClinVar variation 960466 (VCV000960466.5), dbSNP rs764957881, ClinGen allele CA10093437.
Genomic context (GRCh38, chr22:18,088,019, plus strand): 5'-CTCTGCCCTGCAGCTTCCCCTTCCTCCCTGCACTTCCTCTACAAGCTGGCCCAGCTCTTC[C>T]GCTGGATCCGGAAGGCTGCATTTTCTCGCCTCTACCAGCTCCGCATCCGTGACTGAGGGT-3'
Protein context (NP_001121121.1, residues 278-298): HFLYKLAQLF[Arg288Cys]WIRKAAFSRL

ClinVar aggregate classification (germline): Uncertain significance (1 of 4 stars; one submission).

Conditions:
Peroxisome biogenesis disorder 7A (Zellweger). Also called: Peroxisome biogenesis disorder 7A. Identifiers: Orphanet 912, MedGen C3888385, MONDO:0013938, OMIM 614872.
Peroxisome biogenesis disorder 7B (PBD7B). Identifiers: Orphanet 44, MedGen C3553951, MONDO:0013939, OMIM 614873.

Allele frequency attached by ClinVar (database versions not stated): gnomAD exomes 0.00001 and 0.00002; ExAC 0.00002; gnomAD 0.00002; TOPMed 0.00002.
gnomAD v4.1: 23 of 1,613,590 alleles (0.0014%); highest among the groups gnomAD compares: Admixed American, 0.005%; no homozygotes.

Submission:

Labcorp Genetics (formerly Invitae), Labcorp
Classification: Uncertain significance for Peroxisome biogenesis disorder 7A (Zellweger); Peroxisome biogenesis disorder 7B. Last evaluated: 2022-07-01. Review status: criteria provided, single submitter. Criteria: Invitae Variant Classification Sherloc (09022015). Collection method: clinical testing. Allele origin: germline.
Comment: This sequence change replaces arginine, which is basic and polar, with cysteine, which is neutral and slightly polar, at codon 288 of the PEX26 protein (p.Arg288Cys). This variant is present in population databases (rs764957881, gnomAD 0.006%). This variant has not been reported in the literature in individuals affected with PEX26-related conditions. ClinVar contains an entry for this variant (Variation ID: 960466). Algorithms developed to predict the effect of missense changes on protein structure and function are either unavailable or do not agree on the potential impact of this missense change (SIFT: "Deleterious"; PolyPhen-2: "Possibly Damaging"; Align-GVGD: "Class C0"). In summary, the available evidence is currently insufficient to determine the role of this variant in disease. Therefore, it has been classified as a Variant of Uncertain Significance.